The following is an entry in ClinVar:

ClinVar aggregate classification (germline): Uncertain significance (1 of 4 stars; one submission).

Conditions:
Inborn genetic diseases. Identifiers: MedGen C0950123, MeSH D030342.

Submission:

Ambry Genetics
Classification: Uncertain significance for Inborn genetic diseases. Last evaluated: 2022-09-08. Review status: criteria provided, single submitter. Criteria: Ambry Variant Classification Scheme 2023. Collection method: clinical testing. Allele origin: germline.
Comment: The p.E702G variant (also known as c.2105A>G), located in coding exon 14 of the LTBP3 gene, results from an A to G substitution at nucleotide position 2105. The glutamic acid at codon 702 is replaced by glycine, an amino acid with similar properties. This amino acid position is conserved. In addition, this alteration is predicted to be tolerated by in silico analysis. Since supporting evidence is limited at this time, the clinical significance of this alteration remains unclear.

NM_001130144.3(LTBP3):c.2105A>G (p.Glu702Gly)

Gene: LTBP3 (latent transforming growth factor beta binding protein 3; minus strand). Cytogenetic location: 11q13.1.
Variant type: single nucleotide variant.
Coding change: c.2105A>G on transcript NM_001130144.3 (MANE Select); coding-DNA position 2105, A replaced by G.
Protein change: p.Glu702Gly; replaces glutamic acid 702 with glycine.
Molecular consequence: missense variant.
Genome position (GRCh38, 1-based): chr11:65,547,441, T>C on the plus strand (A>G on the coding strand, the complement: LTBP3 is on the minus strand). VCF-style: chr11-65547441-T-C. GRCh37 (hg19) VCF-style: chr11-65314912-T-C.
Other names: c.1754A>G, p.Glu585Gly (NM_001164266.1); c.2105A>G, p.Glu702Gly (NM_021070.4); short protein forms E585G, E702G.
Identifiers: ClinVar variation 1785974 (VCV001785974.2), dbSNP rs2496152637, ClinGen allele CA381270747.